The following is an entry in ClinVar:

NM_002427.4(MMP13):c.1206C>G (p.Val402=)

Gene: MMP13 (matrix metallopeptidase 13; minus strand). Cytogenetic location: 11q22.2.
Variant type: single nucleotide variant.
Coding change: c.1206C>G on transcript NM_002427.4 (MANE Select); coding-DNA position 1206, C replaced by G.
Protein change: p.Val402=; no amino-acid change (valine 402 retained).
Molecular consequence: synonymous variant.
Genome position (GRCh38, 1-based): chr11:102,947,896, G>C on the plus strand (C>G on the coding strand, the complement: MMP13 is on the minus strand). VCF-style: chr11-102947896-G-C. GRCh37 (hg19) VCF-style: chr11-102818625-G-C.
Identifiers: ClinVar variation 2130281 (VCV002130281.4), dbSNP rs782258442, ClinGen allele CA227371669.

ClinVar aggregate classification (germline): Uncertain significance (1 of 4 stars; one submission).

Allele frequency attached by ClinVar (database versions not stated): gnomAD 0.00001; TOPMed 0.00002; gnomAD exomes 0.00003.
gnomAD v4.1: 41 of 1,613,784 alleles (0.0025%); highest among the groups gnomAD compares: Non-Finnish European, 0.0035%; no homozygotes.

Submission:

Labcorp Genetics (formerly Invitae), Labcorp
Classification: Uncertain significance. Last evaluated: 2022-07-15. Review status: criteria provided, single submitter. Criteria: Invitae Variant Classification Sherloc (09022015). Collection method: clinical testing. Allele origin: germline.
Comment: This sequence change affects codon 402 of the MMP13 mRNA. It is a 'silent' change, meaning that it does not change the encoded amino acid sequence of the MMP13 protein. This variant is present in population databases (rs782258442, gnomAD 0.007%). This variant has not been reported in the literature in individuals affected with MMP13-related conditions. Algorithms developed to predict the effect of sequence changes on RNA splicing suggest that this variant may create or strengthen a splice site. In summary, the available evidence is currently insufficient to determine the role of this variant in disease. Therefore, it has been classified as a Variant of Uncertain Significance.